The following is an entry in ClinVar:

ClinVar aggregate classification (germline): Conflicting classifications of pathogenicity. Review status: criteria provided, conflicting classifications (1 of 4 stars). 2 submissions from 2 submitters: Uncertain significance (1); Likely benign (1). Last evaluated 2024-03-22.

Conditions:
Familial sleep-related hypermotor epilepsy. Also called: Autosomal Dominant Sleep-Related Hypermotor (Hyperkinetic) Epilepsy. Identifiers: Orphanet 98784, MedGen C3696898, MONDO:0000030.

Allele frequency attached by ClinVar (database versions not stated): gnomAD exomes 0.00001; TOPMed 0.00003; gnomAD 0.00001 and 0.00002; ExAC 0.00002.
gnomAD v4.1: 10 of 1,613,826 alleles (0.00062%); highest among the groups gnomAD compares: African/African-American, 0.0053%; no homozygotes.

Submissions (2):

Labcorp Genetics (formerly Invitae), Labcorp
Classification: Uncertain significance. Last evaluated: 2024-03-22. Review status: criteria provided, single submitter. Criteria: Invitae Variant Classification Sherloc (09022015). Collection method: clinical testing. Allele origin: germline.
Comment: This sequence change replaces arginine, which is basic and polar, with cysteine, which is neutral and slightly polar, at codon 333 of the CHRNA4 protein (p.Arg333Cys). This variant is present in population databases (rs761631713, gnomAD 0.007%). This variant has not been reported in the literature in individuals affected with CHRNA4-related conditions. This missense change has been observed in at least one individual who was not affected with CHRNA4-related conditions (Invitae). ClinVar contains an entry for this variant (Variation ID: 873206). Advanced modeling of protein sequence and biophysical properties (such as structural, functional, and spatial information, amino acid conservation, physicochemical variation, residue mobility, and thermodynamic stability) has been performed at Invitae for this missense variant, however the output from this modeling did not meet the statistical confidence thresholds required to predict the impact of this variant on CHRNA4 protein function. In summary, the available evidence is currently insufficient to determine the role of this variant in disease. Therefore, it has been classified as a Variant of Uncertain Significance.

Suna and Inan Kirac Foundation Neurodegeneration Research Laboratory, Koc University
Classification: Likely benign. Last evaluated: 2020-03-31. Review status: criteria provided, single submitter. Criteria: ACMG Guidelines, 2015. Collection method: research. Allele origin: germline. Affected: no. Observed: 1 variant allele.

NM_000744.7(CHRNA4):c.997C>T (p.Arg333Cys)

Gene: CHRNA4 (cholinergic receptor nicotinic alpha 4 subunit; minus strand). Cytogenetic location: 20q13.33.
Variant type: single nucleotide variant.
Coding change: c.997C>T on transcript NM_000744.7 (MANE Select); coding-DNA position 997, C replaced by T.
Protein change: p.Arg333Cys; replaces arginine 333 with cysteine.
Molecular consequence: missense variant. On other transcripts: non-coding transcript variant (1).
Genome position (GRCh38, 1-based): chr20:63,350,414, G>A on the plus strand (C>T on the coding strand, the complement: CHRNA4 is on the minus strand). VCF-style: chr20-63350414-G-A. GRCh37 (hg19) VCF-style: chr20-61981766-G-A.
Other names: c.469C>T, p.Arg157Cys (NM_001256573.2); short protein forms R157C, R333C.
Identifiers: ClinVar variation 873206 (VCV000873206.7), dbSNP rs761631713, ClinGen allele CA9957681.